The following is an entry in ClinVar:

NM_001349206.2(LPIN1):c.552C>T (p.Ile184=)

Gene: LPIN1 (lipin 1; plus strand). Cytogenetic location: 2p25.1.
Variant type: single nucleotide variant.
Coding change: c.552C>T on transcript NM_001349206.2 (MANE Select); coding-DNA position 552, C replaced by T.
Protein change: p.Ile184=; no amino-acid change (isoleucine 184 retained).
Molecular consequence: synonymous variant. On other transcripts: non-coding transcript variant (1).
Genome position (GRCh38, 1-based): chr2:11,771,635, C>T. VCF-style: chr2-11771635-C-T. GRCh37 (hg19) VCF-style: chr2-11911761-C-T.
Other names: p.Ile184=; c.570C>T, p.Ile190= (NM_001261427.3); c.699C>T, p.Ile233= (NM_001261428.3, NM_001349208.2); c.552C>T, p.Ile184= (NM_001349199.2, NM_001349200.2, NM_001349201.2 and 5 more transcripts); c.642C>T, p.Ile214= (NM_001349207.2).
Identifiers: ClinVar variation 96497 (VCV000096497.24), dbSNP rs11538448, ClinGen allele CA149555.

ClinVar aggregate classification (germline): Benign. Review status: criteria provided, multiple submitters, no conflicts (2 of 4 stars). 9 submissions from 9 submitters: Benign (7). 2 of the submissions do not count toward it. Last evaluated 2026-02-03.

Conditions:
Myoglobinuria, acute recurrent, autosomal recessive. Also called: Myoglobinuria, recurrent, autosomal recessive; MYOGLOBINURIA, FAMILIAL PAROXYSMAL PARALYTIC; RHABDOMYOLYSIS, ACUTE RECURRENT. Identifiers: Orphanet 99845, MedGen C1849386, MONDO:0009992, OMIM 268200.

Allele frequency attached by ClinVar (database versions not stated): 1000 Genomes Project 30x 0.04809; 1000 Genomes Project 0.05072; TOPMed 0.09156; gnomAD 0.09340 and 0.09460; gnomAD exomes 0.09798; ESP Exome Variant Server 0.10234; ExAC 0.13295.
gnomAD v4.1: 199,447 of 1,603,708 alleles (12%); highest among the groups gnomAD compares: Non-Finnish European, 14%; 14,091 homozygotes.

Submissions (9):

Labcorp Genetics (formerly Invitae), Labcorp
Classification: Benign. Last evaluated: 2026-02-03. Review status: criteria provided, single submitter. Criteria: Invitae Variant Classification Sherloc (09022015). Collection method: clinical testing. Allele origin: germline.

Mayo Clinic Laboratories, Mayo Clinic
Classification: Benign. Last evaluated: 2021-10-17. Review status: criteria provided, single submitter. Criteria: ACMG Guidelines, 2015. Collection method: clinical testing. Allele origin: germline. Observed: 197 variant alleles.

Illumina Laboratory Services, Illumina
Classification: Benign for Myoglobinuria, acute recurrent, autosomal recessive. Last evaluated: 2018-01-13. Review status: criteria provided, single submitter. Criteria: ICSL Variant Classification Criteria 13 December 2019. Collection method: clinical testing. Allele origin: germline.
Comment: This variant was observed in the ICSL laboratory as part of a predisposition screen in an ostensibly healthy population. It had not been previously curated by ICSL or reported in the Human Gene Mutation Database (HGMD: prior to June 1st, 2018), and was therefore a candidate for classification through an automated scoring system. Utilizing variant allele frequency, disease prevalence and penetrance estimates, and inheritance mode, an automated score was calculated to assess if this variant is too frequent to cause the disease. Based on the score and internal cut-off values, a variant classified as benign is not then subjected to further curation. The score for this variant resulted in a classification of benign for this disease.

GeneDx
Classification: Benign. Last evaluated: 2016-10-31. Review status: criteria provided, single submitter. Criteria: GeneDx Variant Classification (06012015). Collection method: clinical testing. Allele origin: germline. Affected: yes.
Comment: This variant is considered likely benign or benign based on one or more of the following criteria: it is a conservative change, it occurs at a poorly conserved position in the protein, it is predicted to be benign by multiple in silico algorithms, and/or has population frequency not consistent with disease.

Eurofins Ntd Llc (ga)
Classification: Benign. Last evaluated: 2013-05-07. Review status: criteria provided, single submitter. Criteria: EGL Classification Definitions 2015. Collection method: clinical testing. Allele origin: germline. Observed: 1 variant allele, 1 heterozygote.

Breakthrough Genomics
Classification: Benign. Review status: criteria provided, single submitter. Criteria: ACMG Guidelines, 2015. Collection method: not provided. Allele origin: germline. Inheritance: Autosomal recessive inheritance. Affected: yes.

PreventionGenetics, part of Exact Sciences
Classification: Benign. Review status: criteria provided, single submitter. Criteria: ACMG Guidelines, 2015. Collection method: clinical testing. Allele origin: germline.

Diagnostic Laboratory, Department of Genetics, University Medical Center Groningen
Classification: Benign. Review status: no assertion criteria provided. Collection method: clinical testing. Allele origin: germline. Affected: yes. Study: VKGL Data-share Consensus. Not counted in ClinVar's aggregate classification.

Joint Genome Diagnostic Labs from Nijmegen and Maastricht, Radboudumc and MUMC+
Classification: Benign. Review status: no assertion criteria provided. Collection method: clinical testing. Allele origin: germline. Affected: yes. Study: VKGL Data-share Consensus. Not counted in ClinVar's aggregate classification.